The following is an entry in ClinVar:

NM_001079.4(ZAP70):c.1256G>A (p.Gly419Asp)

Gene: ZAP70 (zeta chain of T cell receptor associated protein kinase 70; plus strand). Cytogenetic location: 2q11.2.
Variant type: single nucleotide variant.
Coding change: c.1256G>A on transcript NM_001079.4 (MANE Select); coding-DNA position 1256, G replaced by A.
Protein change: p.Gly419Asp; replaces glycine 419 with aspartic acid.
Molecular consequence: missense variant.
Genome position (GRCh38, 1-based): chr2:97,735,423, G>A. VCF-style: chr2-97735423-G-A. GRCh37 (hg19) VCF-style: chr2-98351886-G-A.
Other names: c.1256G>A, p.Gly419Asp (NM_001378594.1); c.335G>A, p.Gly112Asp (NM_207519.2); short protein forms G419D, G112D.
Identifiers: ClinVar variation 1362850 (VCV001362850.8), dbSNP rs1380264429, ClinGen allele CA347802135.
Genomic context (GRCh38, chr2:97,735,423, plus strand): 5'-TGCGGCTCATTGGCGTCTGCCAGGCCGAGGCCCTCATGCTGGTCATGGAGATGGCTGGGG[G>A]CGGGCCGCTGCACAAGTTCCTGGTCGGCAAGAGGTGAGCACCGGGTGGGCCCGGCCATCG-3'
Protein context (NP_001070.2, residues 409-429): ALMLVMEMAG[Gly419Asp]GPLHKFLVGK

ClinVar aggregate classification (germline): Uncertain significance (1 of 4 stars; one submission).

Conditions:
Combined immunodeficiency due to ZAP70 deficiency (IMD48). Also called: Immunodeficiency 48; ZAP70 Deficiency. Identifiers: Orphanet 911, MedGen C2931299, MONDO:0010023, OMIM 269840.

Allele frequency attached by ClinVar (database versions not stated): gnomAD exomes below 0.00001.

Submission:

Labcorp Genetics (formerly Invitae), Labcorp
Classification: Uncertain significance for Combined immunodeficiency due to ZAP70 deficiency. Last evaluated: 2022-02-05. Review status: criteria provided, single submitter. Criteria: Invitae Variant Classification Sherloc (09022015). Collection method: clinical testing. Allele origin: germline.
Comment: In summary, the available evidence is currently insufficient to determine the role of this variant in disease. Therefore, it has been classified as a Variant of Uncertain Significance. Algorithms developed to predict the effect of missense changes on protein structure and function are either unavailable or do not agree on the potential impact of this missense change (SIFT: "Not Available"; PolyPhen-2: "Possibly Damaging"; Align-GVGD: "Not Available"). This variant has not been reported in the literature in individuals affected with ZAP70-related conditions. This variant is present in population databases (no rsID available, gnomAD 0.006%). This sequence change replaces glycine, which is neutral and non-polar, with aspartic acid, which is acidic and polar, at codon 419 of the ZAP70 protein (p.Gly419Asp).